The following is an entry in ClinVar:

ClinVar aggregate classification (germline): Conflicting classifications of pathogenicity. Review status: criteria provided, conflicting classifications (1 of 4 stars). 2 submissions from 2 submitters: Uncertain significance (1); Likely benign (1). Last evaluated 2024-04-23.

Conditions:
Familial sleep-related hypermotor epilepsy. Also called: Autosomal Dominant Sleep-Related Hypermotor (Hyperkinetic) Epilepsy. Identifiers: Orphanet 98784, MedGen C3696898, MONDO:0000030.
Inborn genetic diseases. Identifiers: MedGen C0950123, MeSH D030342.

Allele frequency attached by ClinVar (database versions not stated): gnomAD 0.00001; ESP Exome Variant Server 0.00008; 1000 Genomes Project 30x 0.00016; gnomAD exomes 0.00001; 1000 Genomes Project 0.00020; ExAC 0.00001.

Submissions (2):

Labcorp Genetics (formerly Invitae), Labcorp
Classification: Likely benign. Last evaluated: 2024-04-23. Review status: criteria provided, single submitter. Criteria: Invitae Variant Classification Sherloc (09022015). Collection method: clinical testing. Allele origin: germline.

Ambry Genetics
Classification: Uncertain significance for Inborn genetic diseases. Last evaluated: 2020-10-30. Review status: criteria provided, single submitter. Criteria: Ambry Variant Classification Scheme 2023. Collection method: clinical testing. Allele origin: germline.
Comment: The c.1780G>A (p.V594M) alteration is located in exon 6 (coding exon 6) of the CHRNA4 gene. This alteration results from a G to A substitution at nucleotide position 1780, causing the valine (V) at amino acid position 594 to be replaced by a methionine (M). Based on data from the Genome Aggregation Database (gnomAD) database, the CHRNA4 c.1780G>A alteration was observed in 0.0008% (2/247,686) of total alleles studied, with a frequency of 0.006% (1/16,168) in the African subpopulation. This amino acid position is highly conserved in available vertebrate species. The p.V594M alteration is predicted to be tolerated by in silico analysis. Based on insufficient or conflicting evidence, the clinical significance of this alteration remains unclear.

NM_000744.7(CHRNA4):c.1780G>A (p.Val594Met)

Gene: CHRNA4 (cholinergic receptor nicotinic alpha 4 subunit; minus strand). Cytogenetic location: 20q13.33.
Variant type: single nucleotide variant.
Coding change: c.1780G>A on transcript NM_000744.7 (MANE Select); coding-DNA position 1780, G replaced by A.
Protein change: p.Val594Met; replaces valine 594 with methionine.
Molecular consequence: missense variant. On other transcripts: non-coding transcript variant (1).
Genome position (GRCh38, 1-based): chr20:63,346,842, C>T on the plus strand (G>A on the coding strand, the complement: CHRNA4 is on the minus strand). VCF-style: chr20-63346842-C-T. GRCh37 (hg19) VCF-style: chr20-61978194-C-T.
Other names: c.1252G>A, p.Val418Met (NM_001256573.2); short protein forms V594M, V418M.
Identifiers: ClinVar variation 205053 (VCV000205053.10), dbSNP rs370887602, ClinGen allele CA313623.